The following is an entry in ClinVar:

NM_174916.3(UBR1):c.3509+2dup

Gene: UBR1 (ubiquitin protein ligase E3 component n-recognin 1; minus strand). Cytogenetic location: 15q15.2.
Variant type: Duplication.
Coding change: c.3509+2dup on transcript NM_174916.3 (MANE Select); the canonical splice donor site of the intron after coding-DNA position 3509, one base duplicated (T; older notation c.3509+2dupT).
Molecular consequence: splice donor variant.
Genome position (GRCh38, 1-based): chr15:43,003,835, A duplicated on the plus strand (T on the coding strand, the reverse complement: UBR1 is on the minus strand). VCF-style (leftmost placement, unchanged base first): chr15-43003834-T-TA. GRCh37 (hg19) VCF-style: chr15-43296032-T-TA.
Identifiers: ClinVar variation 1466012 (VCV001466012.6), dbSNP rs2141286211, ClinGen allele CA2573150760.

ClinVar aggregate classification (germline): Uncertain significance (1 of 4 stars; one submission).

Submission:

Labcorp Genetics (formerly Invitae), Labcorp
Classification: Uncertain significance. Last evaluated: 2021-05-18. Review status: criteria provided, single submitter. Criteria: Invitae Variant Classification Sherloc (09022015). Collection method: clinical testing. Allele origin: germline.
Comment: In summary, the available evidence is currently insufficient to determine the role of this variant in disease. Therefore, it has been classified as a Variant of Uncertain Significance. Nucleotide substitutions within the consensus splice site are a relatively common cause of aberrant splicing (PMID: 17576681, 9536098). Algorithms developed to predict the effect of sequence changes on RNA splicing suggest that this variant may disrupt the consensus splice site, but this prediction has not been confirmed by published transcriptional studies. This variant has not been reported in the literature in individuals with UBR1-related conditions. This variant is not present in population databases (ExAC no frequency). This sequence change falls in intron 31 of the UBR1 gene. It does not directly change the encoded amino acid sequence of the UBR1 protein. It affects a nucleotide within the consensus splice site of the intron.

Literature cited by the submitters: PubMed 17576681; PubMed 9536098.